The following is an entry in ClinVar:

ClinVar aggregate classification (germline): Likely pathogenic (1 of 4 stars; one submission).

Conditions:
Autosomal recessive limb-girdle muscular dystrophy type 2J (LGMDR10). Also called: Limb-girdle muscular dystrophy, type 2J; MUSCULAR DYSTROPHY, LIMB-GIRDLE, AUTOSOMAL RECESSIVE 10. Identifiers: Orphanet 140922, MedGen C1837342, MONDO:0012127, OMIM 608807.
Dilated cardiomyopathy 1G (CMD1G). Identifiers: Orphanet 154, MedGen C1858763, MONDO:0011400, OMIM 604145.

Submission:

Labcorp Genetics (formerly Invitae), Labcorp
Classification: Likely pathogenic for Dilated cardiomyopathy 1G; Autosomal recessive limb-girdle muscular dystrophy type 2J. Last evaluated: 2024-10-18. Review status: criteria provided, single submitter. Criteria: Invitae Variant Classification Sherloc (09022015). Collection method: clinical testing. Allele origin: germline.
Comment: This sequence change creates a premature translational stop signal (p.Val12075Serfs*82) in the TTN gene. While this is not anticipated to result in nonsense mediated decay, it is expected to create a truncated TTN protein. This variant is present in population databases (no rsID available, gnomAD 0.001%). This variant has not been reported in the literature in individuals affected with TTN-related conditions. This variant is located in the I band of TTN (PMID: 25589632). Truncating variants in this region have been reported in individuals affected with autosomal recessive centronuclear myopathy (PMID: 23975875, internal data). Truncating variants in this region have also been identified in individuals affected with autosomal dominant dilated cardiomyopathy and/or cardio-related conditions (PMID: 27869827, 32964742, internal data). In summary, the currently available evidence indicates that the variant is pathogenic, but additional data are needed to prove that conclusively. Therefore, this variant has been classified as Likely Pathogenic.

Literature cited by the submitters: PubMed 25589632; PubMed 23975875; PubMed 27869827; PubMed 32964742.

NM_001267550.2(TTN):c.36222_36225del (p.Val12075fs)

Gene: TTN (titin; minus strand). Cytogenetic location: 2q31.2.
Variant type: Deletion.
Coding change: c.36222_36225del on transcript NM_001267550.2 (MANE Select); coding-DNA positions 36222 to 36225, 4 bases deleted (AGTT; older notation c.36222_36225delAGTT).
Protein change: p.Val12075fs; shifts the reading frame from valine 12075.
Molecular consequence: frameshift variant. On other transcripts: intron variant (5).
Genome position (GRCh38, 1-based): chr2:178,664,515-178,664,518, AACT deleted on the plus strand (AGTT on the coding strand, the reverse complement: TTN is on the minus strand). VCF-style (leftmost placement, unchanged base first): chr2-178664514-CAACT-C. GRCh37 (hg19) VCF-style: chr2-179529241-CAACT-C.
Other names: c.13283-22201_13283-22198del (NM_003319.4); c.13859-22201_13859-22198del (NM_133437.4); c.13658-22201_13658-22198del (NM_133432.3); c.31484-1463_31484-1460del (NM_133378.4); c.34265-1463_34265-1460del (NM_001256850.1); short protein forms V12075fs.
Identifiers: ClinVar variation 3751610 (VCV003751610.2).